The following is an entry in ClinVar:

NM_020987.5(ANK3):c.9295G>A (p.Val3099Ile)

Gene: ANK3 (ankyrin 3; minus strand). Cytogenetic location: 10q21.2.
Variant type: single nucleotide variant.
Coding change: c.9295G>A on transcript NM_020987.5 (MANE Select); coding-DNA position 9295, G replaced by A.
Protein change: p.Val3099Ile; replaces valine 3099 with isoleucine.
Molecular consequence: missense variant. On other transcripts: intron variant (4).
Genome position (GRCh38, 1-based): chr10:60,071,586, C>T on the plus strand (G>A on the coding strand, the complement: ANK3 is on the minus strand). VCF-style: chr10-60071586-C-T. GRCh37 (hg19) VCF-style: chr10-61831344-C-T.
Other names: c.9295G>A (NM_020987.3); c.4388-3577G>A (NM_001204403.2); c.4409-3577G>A (NM_001204404.2); c.4406-3577G>A (NM_001320874.2); c.1808-3577G>A (NM_001149.4); short protein forms V3099I.
Identifiers: ClinVar variation 3695579 (VCV003695579.3).

ClinVar aggregate classification (germline): Uncertain significance. Review status: criteria provided, multiple submitters, no conflicts (2 of 4 stars). 2 submissions from 2 submitters: Uncertain significance (2). Last evaluated 2025-08-08.

Conditions:
Inborn genetic diseases. Identifiers: MedGen C0950123, MeSH D030342.

gnomAD v4.1: 2 of 1,614,020 alleles (0.00012%); highest among the groups gnomAD compares: Non-Finnish European, 0.00017%; no homozygotes.

Submissions (2):

Ambry Genetics
Classification: Uncertain significance for Inborn genetic diseases. Last evaluated: 2025-08-08. Review status: criteria provided, single submitter. Criteria: Ambry Variant Classification Scheme 2023. Collection method: clinical testing. Allele origin: germline.

Labcorp Genetics (formerly Invitae), Labcorp
Classification: Uncertain significance. Last evaluated: 2024-03-24. Review status: criteria provided, single submitter. Criteria: Invitae Variant Classification Sherloc (09022015). Collection method: clinical testing. Allele origin: germline.
Comment: This sequence change replaces valine, which is neutral and non-polar, with isoleucine, which is neutral and non-polar, at codon 3099 of the ANK3 protein (p.Val3099Ile). This variant is not present in population databases (gnomAD no frequency). This variant has not been reported in the literature in individuals affected with ANK3-related conditions. Advanced modeling of protein sequence and biophysical properties (such as structural, functional, and spatial information, amino acid conservation, physicochemical variation, residue mobility, and thermodynamic stability) performed at Invitae indicates that this missense variant is not expected to disrupt ANK3 protein function with a negative predictive value of 80%. In summary, the available evidence is currently insufficient to determine the role of this variant in disease. Therefore, it has been classified as a Variant of Uncertain Significance.